The following is an entry in ClinVar:

NM_145868.2(ANXA11):c.566G>A (p.Gly189Glu)

Gene: ANXA11 (annexin A11; minus strand). Cytogenetic location: 10q22.3.
Variant type: single nucleotide variant.
Coding change: c.566G>A on transcript NM_145868.2 (MANE Select); coding-DNA position 566, G replaced by A.
Protein change: p.Gly189Glu; replaces glycine 189 with glutamic acid.
Molecular consequence: missense variant.
Genome position (GRCh38, 1-based): chr10:80,167,309, C>T on the plus strand (G>A on the coding strand, the complement: ANXA11 is on the minus strand). VCF-style: chr10-80167309-C-T. GRCh37 (hg19) VCF-style: chr10-81927065-C-T.
Other names: p.Gly189Glu; c.566G>A (NM_145869.1); c.566G>A, p.Gly189Glu (NM_001157.3, NM_001278407.2, NM_001278408.2 and 1 more transcripts); c.467G>A, p.Gly156Glu (NM_001278409.2); short protein forms G156E, G189E.
Identifiers: ClinVar variation 1494074 (VCV001494074.14), dbSNP rs569546089, ClinGen allele CA5576240.

ClinVar aggregate classification (germline): Conflicting classifications of pathogenicity. Review status: criteria provided, conflicting classifications (1 of 4 stars). 4 submissions from 4 submitters: Uncertain significance (3); Likely benign (1). Last evaluated 2026-05-01.

Conditions:
ANXA11-related disorder. Also called: ANXA11-related condition.

Allele frequency attached by ClinVar (database versions not stated): gnomAD 0.00013 and 0.00014; ExAC 0.00014; gnomAD exomes 0.00016 and 0.00029; TOPMed 0.00016.

Submissions (4):

CeGaT Center for Human Genetics Tuebingen
Classification: Likely benign. Last evaluated: 2026-05-01. Review status: criteria provided, single submitter. Criteria: CeGaT Center For Human Genetics Tuebingen Variant Classification Criteria Version 2. Collection method: clinical testing. Allele origin: germline. Affected: yes. Observed: 1 variant allele.
Comment: ANXA11: BP4

Labcorp Genetics (formerly Invitae), Labcorp
Classification: Uncertain significance. Last evaluated: 2026-01-04. Review status: criteria provided, single submitter. Criteria: Invitae Variant Classification Sherloc (09022015). Collection method: clinical testing. Allele origin: germline.
Comment: This sequence change replaces glycine, which is neutral and non-polar, with glutamic acid, which is acidic and polar, at codon 189 of the ANXA11 protein (p.Gly189Glu). This variant is present in population databases (rs569546089, gnomAD 0.03%). This missense change has been observed in individual(s) with amyotrophic lateral sclerosis (PMID: 28469040). ClinVar contains an entry for this variant (Variation ID: 1494074). An algorithm developed to predict the effect of missense changes on protein structure and function (PolyPhen-2) suggests that this variant is likely to be disruptive. Experimental studies have shown that this missense change affects ANXA11 function (PMID: 28469040). In summary, the available evidence is currently insufficient to determine the role of this variant in disease. Therefore, it has been classified as a Variant of Uncertain Significance.

Mayo Clinic Laboratories, Mayo Clinic
Classification: Uncertain significance. Last evaluated: 2025-03-17. Review status: criteria provided, single submitter. Criteria: ACMG Guidelines, 2015. Collection method: clinical testing. Allele origin: germline. Observed: 1 variant allele.
Comment: BS2, BP4_moderate

PreventionGenetics, part of Exact Sciences
Classification: Uncertain significance for ANXA11-related condition. Last evaluated: 2024-10-22. Review status: criteria provided, single submitter. Criteria: ACMG Guidelines, 2015. Collection method: clinical testing. Allele origin: germline.
Comment: The ANXA11 c.566G>A variant is predicted to result in the amino acid substitution p.Gly189Glu. This variant has been reported in an individual with amyotrophic lateral sclerosis (ALS) and an in vitro functional study revealed that the p.Gly189Glu variant inhibited ANXA11 binding to calcyclin, a well-characterized interacting partner (Smith et al. 2017. PubMed ID: 28469040). This variant is reported in 0.028% of alleles in individuals of European (non-Finnish) descent in gnomAD. At this time, the clinical significance of this variant is uncertain due to the absence of conclusive functional and genetic evidence.

Literature cited by the submitters: PubMed 28469040 (cited by Labcorp Genetics (formerly Invitae), Labcorp and Mayo Clinic Laboratories, Mayo Clinic).